The following is an entry in ClinVar:

ClinVar aggregate classification (germline): Uncertain significance. Review status: criteria provided, multiple submitters, no conflicts (2 of 4 stars). 2 submissions from 2 submitters: Uncertain significance (2). Last evaluated 2025-11-06.

Conditions:
Cystic fibrosis (CF). Also called: MUCOVISCIDOSIS. Identifiers: Orphanet 586, MedGen C0010674, MONDO:0009061, OMIM 219700. Disease mechanism: loss of function.
CFTR-related disorder (CFTR-RD). Also called: CFTR-related condition; CFTR-related disorders. Identifiers: MedGen C5924204, MONDO:7770004.

Submissions (2):

Labcorp Genetics (formerly Invitae), Labcorp
Classification: Uncertain significance for Cystic fibrosis. Last evaluated: 2025-11-06. Review status: criteria provided, single submitter. Criteria: Invitae Variant Classification Sherloc (09022015). Collection method: clinical testing. Allele origin: germline.
Comment: This sequence change replaces isoleucine, which is neutral and non-polar, with arginine, which is basic and polar, at codon 448 of the CFTR protein (p.Ile448Arg). The frequency data for this variant in the population databases is considered unreliable, as metrics indicate poor data quality at this position in the gnomAD database. This variant has not been reported in the literature in individuals affected with CFTR-related conditions. Invitae Evidence Modeling of protein sequence and biophysical properties (such as structural, functional, and spatial information, amino acid conservation, physicochemical variation, residue mobility, and thermodynamic stability) indicates that this missense variant is expected to disrupt CFTR protein function with a positive predictive value of 80%. In summary, the available evidence is currently insufficient to determine the role of this variant in disease. Therefore, it has been classified as a Variant of Uncertain Significance.

PreventionGenetics, part of Exact Sciences
Classification: Uncertain significance for CFTR-related condition. Last evaluated: 2025-06-26. Review status: criteria provided, single submitter. Criteria: ACMG Guidelines, 2015. Collection method: clinical testing. Allele origin: germline.
Comment: The CFTR c.1343T>G variant is predicted to result in the amino acid substitution p.Ile448Arg. To our knowledge, this variant has not been reported in the literature or in a large population database (gnomad), indicating this variant is rare. At this time, the clinical significance of this variant is uncertain due to the absence of conclusive functional and genetic evidence.

NM_000492.4(CFTR):c.1343T>G (p.Ile448Arg)

Genes: CFTR (CF transmembrane conductance regulator; plus strand), CFTR-AS1 (CFTR antisense RNA 1; minus strand). Cytogenetic location: 7q31.2.
Variant type: single nucleotide variant.
Coding change: c.1343T>G on transcript NM_000492.4 (MANE Select); coding-DNA position 1343, T replaced by G.
Protein change: p.Ile448Arg; replaces isoleucine 448 with arginine.
Molecular consequence: missense variant.
Genome position (GRCh38, 1-based): chr7:117,548,774, T>G. VCF-style: chr7-117548774-T-G. GRCh37 (hg19) VCF-style: chr7-117188828-T-G.
Other names: short protein forms I448R.
Identifiers: ClinVar variation 4764199 (VCV004764199.2).